The following is an entry in ClinVar:

NM_000083.3(CLCN1):c.374G>A (p.Gly125Glu)

Gene: CLCN1 (chloride voltage-gated channel 1; plus strand). Cytogenetic location: 7q34.
Variant type: single nucleotide variant.
Coding change: c.374G>A on transcript NM_000083.3 (MANE Select); coding-DNA position 374, G replaced by A.
Protein change: p.Gly125Glu; replaces glycine 125 with glutamic acid.
Molecular consequence: missense variant. On other transcripts: non-coding transcript variant (1).
Genome position (GRCh38, 1-based): chr7:143,320,736, G>A. VCF-style: chr7-143320736-G-A. GRCh37 (hg19) VCF-style: chr7-143017829-G-A.
Other names: short protein forms G125E.
Identifiers: ClinVar variation 964056 (VCV000964056.9), dbSNP rs1802406774, ClinGen allele CA369682350.

ClinVar aggregate classification (germline): Uncertain significance (1 of 4 stars; one submission).

Conditions:
Congenital myotonia, autosomal dominant form (THD). Also called: THOMSEN DISEASE; Myotonia congenita autosomal dominant. Identifiers: Orphanet 614, MedGen C2936781, MONDO:0008055, OMIM 160800.
Congenital myotonia, autosomal recessive form. Also called: BECKER DISEASE; Becker Generalized Myotonia; myotonia congenita, autosomal recessive. Identifiers: Orphanet 614, MedGen C0751360, MONDO:0009715, OMIM 255700.

Allele frequency attached by ClinVar (database versions not stated): gnomAD exomes below 0.00001.
gnomAD v4.1: 1 of 1,613,694 alleles (0.000062%); highest among the groups gnomAD compares: Non-Finnish European, 0.000085%; no homozygotes.

Submission:

Labcorp Genetics (formerly Invitae), Labcorp
Classification: Uncertain significance for Congenital myotonia, autosomal recessive form; Congenital myotonia, autosomal dominant form. Last evaluated: 2020-01-27. Review status: criteria provided, single submitter. Criteria: Invitae Variant Classification Sherloc (09022015). Collection method: clinical testing. Allele origin: germline.
Comment: This variant has been observed in the homozygous state in an individual affected with myotonia congenita (PMID: 23456831). This variant is not present in population databases (ExAC no frequency). This sequence change replaces glycine with glutamic acid at codon 125 of the CLCN1 protein (p.Gly125Glu). The glycine residue is highly conserved and there is a moderate physicochemical difference between glycine and glutamic acid. Algorithms developed to predict the effect of missense changes on protein structure and function are either unavailable or do not agree on the potential impact of this missense change (SIFT: "Deleterious"; PolyPhen-2: "Probably Damaging"; Align-GVGD: "Class C0"). In summary, the available evidence is currently insufficient to determine the role of this variant in disease. Therefore, it has been classified as a Variant of Uncertain Significance.

Literature cited by the submitters: PubMed 23456831.